The following is an entry in ClinVar:

ClinVar aggregate classification (germline): Likely benign. Review status: criteria provided, single submitter (1 of 4 stars). 2 submissions from 2 submitters: Likely benign (1). 1 of the submissions does not count toward it. Last evaluated 2025-08-27.

Conditions:
SPTBN5-related disorder. Also called: SPTBN5-related condition.

Allele frequency attached by ClinVar (database versions not stated): ESP Exome Variant Server 0.00008; 1000 Genomes Project 0.00100; 1000 Genomes Project 30x 0.00109.
gnomAD v4.1: 183 of 1,613,094 alleles (0.011%); highest among the groups gnomAD compares: East Asian, 0.1%; no homozygotes.

Submissions (2):

Ambry Genetics
Classification: Likely benign. Last evaluated: 2025-08-27. Review status: criteria provided, single submitter. Criteria: Ambry Variant Classification Scheme 2023. Collection method: clinical testing. Allele origin: germline.

PreventionGenetics, part of Exact Sciences
Classification: Likely benign for SPTBN5-related condition. Last evaluated: 2023-02-21. Review status: no assertion criteria provided. Collection method: clinical testing. Allele origin: germline. Not counted in ClinVar's aggregate classification.
Comment: This variant is classified as likely benign based on ACMG/AMP sequence variant interpretation guidelines (Richards et al. 2015 PMID: 25741868, with internal and published modifications).

NM_016642.4(SPTBN5):c.10799G>A (p.Arg3600Gln)

Gene: SPTBN5 (spectrin beta, non-erythrocytic 5; minus strand). Cytogenetic location: 15q15.1.
Variant type: single nucleotide variant.
Coding change: c.10799G>A on transcript NM_016642.4 (MANE Select); coding-DNA position 10799, G replaced by A.
Protein change: p.Arg3600Gln; replaces arginine 3600 with glutamine.
Molecular consequence: missense variant.
Genome position (GRCh38, 1-based): chr15:41,851,095, C>T on the plus strand (G>A on the coding strand, the complement: SPTBN5 is on the minus strand). VCF-style: chr15-41851095-C-T. GRCh37 (hg19) VCF-style: chr15-42143293-C-T.
Other names: c.10694G>A (NM_016642.2); short protein forms R3600Q.
Identifiers: ClinVar variation 3047516 (VCV003047516.3), dbSNP rs370013601, ClinGen allele CA7500779.